The following is an entry in ClinVar:

NM_005655.4(KLF10):c.332C>T (p.Ala111Val)

Gene: KLF10 (KLF transcription factor 10; minus strand). Cytogenetic location: 8q22.3.
Variant type: single nucleotide variant.
Coding change: c.332C>T on transcript NM_005655.4 (MANE Select); coding-DNA position 332, C replaced by T.
Protein change: p.Ala111Val; replaces alanine 111 with valine.
Molecular consequence: missense variant.
Genome position (GRCh38, 1-based): chr8:102,652,000, G>A on the plus strand (C>T on the coding strand, the complement: KLF10 is on the minus strand). VCF-style: chr8-102652000-G-A. GRCh37 (hg19) VCF-style: chr8-103664228-G-A.
Other names: c.299C>T, p.Ala100Val (NM_001032282.4); short protein forms A100V, A111V.
Identifiers: ClinVar variation 3534811 (VCV003534811.3).

ClinVar aggregate classification (germline): Uncertain significance. Review status: criteria provided, multiple submitters, no conflicts (2 of 4 stars). 2 submissions from 2 submitters: Uncertain significance (2). Last evaluated 2024-08-20.

Submissions (2):

Ambry Genetics
Classification: Uncertain significance. Last evaluated: 2024-08-20. Review status: criteria provided, single submitter. Criteria: Ambry Variant Classification Scheme 2023. Collection method: clinical testing. Allele origin: germline.

Labcorp Genetics (formerly Invitae), Labcorp
Classification: Uncertain significance. Last evaluated: 2024-03-16. Review status: criteria provided, single submitter. Criteria: Invitae Variant Classification Sherloc (09022015). Collection method: clinical testing. Allele origin: germline.
Comment: This sequence change replaces alanine, which is neutral and non-polar, with valine, which is neutral and non-polar, at codon 111 of the KLF10 protein (p.Ala111Val). This variant is present in population databases (rs547779750, gnomAD 0.007%). This variant has not been reported in the literature in individuals affected with KLF10-related conditions. Algorithms developed to predict the effect of missense changes on protein structure and function output the following: SIFT: "Not Available"; PolyPhen-2: "Benign"; Align-GVGD: "Not Available". The valine amino acid residue is found in multiple mammalian species, which suggests that this missense change does not adversely affect protein function. In summary, the available evidence is currently insufficient to determine the role of this variant in disease. Therefore, it has been classified as a Variant of Uncertain Significance.